The following is an entry in ClinVar:

ClinVar aggregate classification (germline): Conflicting classifications of pathogenicity. Review status: criteria provided, conflicting classifications (1 of 4 stars). 17 submissions from 17 submitters: Uncertain significance (2); Benign (3); Likely benign (6). 6 of the submissions do not count toward it. Last evaluated 2026-01-28.

Conditions:
BRCA1-related disorder. Also called: BRCA1-related condition.
Breast and/or ovarian cancer. Identifiers: MedGen CN221562.
Hereditary cancer-predisposing syndrome. Also called: Tumor predisposition; Neoplastic Syndromes, Hereditary; Hereditary Cancer Syndrome; Hereditary neoplastic syndrome. Identifiers: Orphanet 140162, MedGen C0027672, MeSH D009386, MONDO:0015356.
Hereditary breast ovarian cancer syndrome. Also called: Hereditary breast and ovarian cancer syndrome (HBOC); Hereditary breast and ovarian cancer syndrome; Hereditary breast and ovarian cancer; Hereditary breast and/or ovarian cancer syndrome; Breast and ovarian cancer; BRCA1- and BRCA2-Associated Hereditary Breast and Ovarian Cancer. Identifiers: Orphanet 145, MedGen C0677776, MeSH D061325, MONDO:0003582. Disease mechanism: loss of function.
Breast-ovarian cancer, familial, susceptibility to, 1 (BROVCA1). Also called: OVARIAN CANCER, SUSCEPTIBILITY TO; BRCA1 Hereditary Breast and Ovarian Cancer. Identifiers: Orphanet 145, MedGen C2676676, MONDO:0011450, OMIM 604370. Disease mechanism: loss of function.
Malignant tumor of breast. Also called: Malignant breast neoplasm; Cancer breast. Identifiers: MedGen C0006142, MONDO:0007254. Disease mechanism: loss of function.

Allele frequency attached by ClinVar (database versions not stated): ExAC 0.00003; gnomAD 0.00003; gnomAD exomes 0.00004; TOPMed 0.00004; ESP Exome Variant Server 0.00008.
gnomAD v4.1: 71 of 1,612,614 alleles (0.0044%); highest among the groups gnomAD compares: Non-Finnish European, 0.0057%; 1 homozygote.

Submissions (18):

Labcorp Genetics (formerly Invitae), Labcorp
Classification: Benign for Hereditary breast ovarian cancer syndrome. Last evaluated: 2026-01-28. Review status: criteria provided, single submitter. Criteria: Invitae Variant Classification Sherloc (09022015). Collection method: clinical testing. Allele origin: germline.

Mayo Clinic Laboratories, Mayo Clinic
Classification: Likely benign. Last evaluated: 2025-06-26. Review status: criteria provided, single submitter. Criteria: ACMG Guidelines, 2015. Collection method: clinical testing. Allele origin: germline. Observed: 3 variant alleles.
Comment: BS1_supporting, BS3

ARUP Laboratories, Molecular Genetics and Genomics, ARUP Laboratories
Classification: Likely benign. Last evaluated: 2025-02-24. Review status: criteria provided, single submitter. Criteria: ARUP Molecular Germline Variant Investigation Process 2024. Collection method: clinical testing. Allele origin: germline.

Blueprint Genetics
Classification: Likely benign. Last evaluated: 2024-11-25. Review status: criteria provided, single submitter. Criteria: ACMG Guidelines, 2015. Collection method: clinical testing. Allele origin: germline.

All of Us Research Program, National Institutes of Health
Classification: Likely benign for Breast-ovarian cancer, familial, susceptibility to, 1. Last evaluated: 2023-12-01. Review status: criteria provided, single submitter. Criteria: ACMG Guidelines, 2015. Collection method: clinical testing. Allele origin: germline. Inheritance: Autosomal dominant inheritance. Observed: 10 variant alleles, 10 heterozygotes.
Comment: This study involves interpretation of variants in research participants for the purpose of population health screening. Participant phenotype was not available at the time of variant classification. Additional details can be found in publication PMID: 35346344, PMCID: PMC8962531

Quest Diagnostics Nichols Institute San Juan Capistrano
Classification: Likely benign. Last evaluated: 2022-12-07. Review status: criteria provided, single submitter. Criteria: Quest Diagnostics criteria. Collection method: clinical testing. Allele origin: unknown.

CHEO Genetics Diagnostic Laboratory, Children's Hospital of Eastern Ontario
Classification: Uncertain significance for Breast and/or ovarian cancer. Last evaluated: 2022-01-18. Review status: criteria provided, single submitter. Criteria: ACMG Guidelines, 2015. Collection method: clinical testing. Allele origin: germline. Study: Canadian Open Genetics Repository.

Women's Health and Genetics/Laboratory Corporation of America, LabCorp
Classification: Benign. Last evaluated: 2021-04-24. Review status: criteria provided, single submitter. Criteria: LabCorp Variant Classification Summary - May 2015. Collection method: clinical testing. Allele origin: germline.
Comment: Variant summary: BRCA1 c.81-6T>C alters a non-conserved nucleotide located close to a canonical splice site and therefore could affect mRNA splicing, leading to a significantly altered protein sequence. 4/4 computational tools predict no significant impact on normal splicing. However, these predictions have yet to be confirmed by functional studies. The variant allele was found at a frequency of 4e-05 in 249574 control chromosomes. This frequency is not significantly higher than expected for a pathogenic variant in BRCA1 causing Hereditary Breast And Ovarian Cancer Syndrome (4e-05 vs 0.001), allowing no conclusion about variant significance. c.81-6T>C has been reported in the literature in individuals affected with Hereditary Breast And Ovarian Cancer (example, Judkins_2005, Simard_2007, Spearman_2008). These report(s) do not provide unequivocal conclusions about association of the variant with Hereditary Breast And Ovarian Cancer Syndrome. At-least one co-occurrence with another pathogenic variant has been reported in the BIC database (BRCA2 c.8537_8538delAG, p.Glu2846fsX22), providing supporting evidence for a benign role. At least one publication reports experimental evidence evaluating an impact on protein function. These results showed no damaging effect of this variant on Homology Directed Repair (HDR) capacity (example, Findlay_2018). Eight clinical diagnostic laboratories have submitted clinical-significance assessments for this variant to ClinVar after 2014 without evidence for independent evaluation. Multiple laboratories reported the variant with conflicting assessments (benign, n=3; likely benign, n=1; VUS, n=4). Some submitters cite overlapping evidence utilized in the context of this evaluation. Based on the evidence outlined above, the variant was classified as benign.

Cancer Genetics and Genomics Laboratory, British Columbia Cancer Agency
Classification: Uncertain significance for Hereditary breast ovarian cancer syndrome. Last evaluated: 2017-04-18. Review status: criteria provided, single submitter. Criteria: ACMG Guidelines, 2015. Collection method: clinical testing. Allele origin: germline. Study: The Canadian Open Genetics Repository (COGR).

GeneDx
Classification: Benign. Last evaluated: 2015-03-27. Review status: criteria provided, single submitter. Criteria: GeneDx Variant Classification (06012015). Collection method: clinical testing. Allele origin: germline. Affected: yes.
Comment: This variant is considered likely benign or benign based on one or more of the following criteria: it is a conservative change, it occurs at a poorly conserved position in the protein, it is predicted to be benign by multiple in silico algorithms, and/or has population frequency not consistent with disease.

Color Diagnostics, LLC DBA Color Health
Classification: Likely benign for Hereditary cancer-predisposing syndrome. Last evaluated: 2015-03-11. Review status: criteria provided, single submitter. Criteria: ACMG Guidelines, 2015. Collection method: clinical testing. Allele origin: germline.

PreventionGenetics, part of Exact Sciences
Classification: Likely benign for BRCA1-related condition. Last evaluated: 2020-05-26. Review status: no assertion criteria provided. Collection method: clinical testing. Allele origin: germline. Not counted in ClinVar's aggregate classification.
Comment: This variant is classified as likely benign based on ACMG/AMP sequence variant interpretation guidelines (Richards et al. 2015 PMID: 25741868, with internal and published modifications).

King Laboratory, University of Washington
Classification: Benign. Last evaluated: 2019-09-01. Review status: no assertion criteria provided. Collection method: research. Allele origin: germline. Affected: yes. Not counted in ClinVar's aggregate classification.
Comment: Transcript analysis by cBROCA

Counsyl
Classification: Uncertain significance for Breast-ovarian cancer, familial, susceptibility to, 1. Last evaluated: 2017-09-06. Review status: no assertion criteria provided. Collection method: clinical testing. Allele origin: unknown. Not counted in ClinVar's aggregate classification.

Sharing Clinical Reports Project (SCRP)
Classification: Benign for Breast-ovarian cancer, familial 1. Last evaluated: 2009-12-23. Review status: no assertion criteria provided. Collection method: clinical testing. Allele origin: germline. Not counted in ClinVar's aggregate classification.

Breast Cancer Information Core (BIC) (BRCA1)
Classification: Uncertain significance for Breast-ovarian cancer, familial 1. Last evaluated: 2002-05-29. Review status: no assertion criteria provided. Collection method: clinical testing. Allele origin: germline. Affected: yes. Observed: 5 variant alleles. Not counted in ClinVar's aggregate classification.

Brotman Baty Institute, University of Washington
No classification provided (evidence only). Condition: Breast-ovarian cancer, familial 1. Review status: no classification provided. Collection method: in vitro. Allele origin: not applicable. Functional consequence: functionally_normal. Not counted in ClinVar's aggregate classification.
ClinVar note: "not provided" was previously submitted as the classification for the variant. However, the classification appeared to be based only on an observation of functional data so it was converted to no classification on 2025-07-30.

Department of Pathology and Laboratory Medicine, Sinai Health System
Classification: Uncertain significance for Malignant tumor of breast. Review status: no assertion criteria provided. Collection method: clinical testing. Allele origin: unknown. Affected: yes. Study: The Canadian Open Genetics Repository (COGR). Not counted in ClinVar's aggregate classification.
Comment: The BRCA1 c.81-6T>C variant was identified in 1 of 512 proband chromosomes (frequency: 0.002) from individuals or families with breast cancer (Simard 2007). The variant was also identified in the following databases: dbSNP (ID: rs80358179) as "With other, untested allele", ClinVar (3x benign, 1x likely benign, 5x uncertain significance), Clinvitae, GeneInsight-COGR (4x, uncertain significance), LOVD 3.0 (1x), UMD-LSDB (10x, likely neutral), and the BIC Database (5x, clincial importance unknown). The variant was classified as a benign variant by the Sharing Clinical Reports Project (SCRP) (derived from Myriad reports). The variant was identified by our laboratory in five individuals with breast cancer. The variant was not identified in Cosmic, MutDB, ARUP Laboratories, or the Zhejiang Colon Cancer Database. The variant was identified in control databases in 10 of 244486 chromosomes at a frequency of 0.00004 (Genome Aggregation Database Feb 27, 2017). Breakdown of the observations by population include European in 10 of 110782 chromosomes (freq: 0.00009); while the variant was not observed in the African, Other, Latino, Ashkenazi Jewish, East Asian, Finnish, and South Asian populations. Another substitution at this same position (c.81-6T>A) has been previously identified in a breast cancer patient, and through functional studies (analysis of cDNA transcript) has been shown to create a cryptic pathogenic splice site (Vreeswijk 2009). The c.81-6T>C variant is located in the 3' splice region but does not affect the invariant -1 and -2 positions. However, positions -3 and -5 to -12 are part of the splicing consensus sequence and variants involving these positions sometimes affect splicing. In addition, 1 of 5 in silico or computational prediction software programs (SpliceSiteFinder, MaxEntScan, NNSPLICE, GeneSplicer, HumanSpliceFinder) predict a greater than 10% difference in splicing. In summary, based on the above information the clinical significance of this variant cannot be determined with certainty at this time. This variant is classified as a variant of uncertain significance.

Literature cited by the submitters: PubMed 18824701 (cited by 3 submitters); PubMed 31843900 (cited by Quest Diagnostics Nichols Institute San Juan Capistrano and King Laboratory, University of Washington); PubMed 30209399 (cited by Quest Diagnostics Nichols Institute San Juan Capistrano and Women's Health and Genetics/Laboratory Corporation of America, LabCorp); PubMed 29750258 (cited by Quest Diagnostics Nichols Institute San Juan Capistrano and Women's Health and Genetics/Laboratory Corporation of America, LabCorp); PubMed 16905680 (cited by Quest Diagnostics Nichols Institute San Juan Capistrano and Women's Health and Genetics/Laboratory Corporation of America, LabCorp); PubMed 16267036 (cited by 3 submitters); PubMed 18693280 (cited by Quest Diagnostics Nichols Institute San Juan Capistrano); PubMed 20167696 (cited by Quest Diagnostics Nichols Institute San Juan Capistrano and Counsyl); PubMed 26295337 (cited by Quest Diagnostics Nichols Institute San Juan Capistrano).

NM_007294.4(BRCA1):c.81-6T>C

Gene: BRCA1 (BRCA1 DNA repair associated; minus strand). Cytogenetic location: 17q21.31.
Variant type: single nucleotide variant.
Coding change: c.81-6T>C on transcript NM_007294.4 (MANE Select); 6 bases into the intron before coding-DNA position 81, T replaced by C.
Molecular consequence: intron variant.
Genome position (GRCh38, 1-based): chr17:43,115,785, A>G on the plus strand (T>C on the coding strand, the complement: BRCA1 is on the minus strand). VCF-style: chr17-43115785-A-G. GRCh37 (hg19) VCF-style: chr17-41267802-A-G.
Other names: p.?; IVS2-6T>C; c.81-6T>C (NM_001407602.1, NM_001407585.1, NM_001408413.1 and 191 more transcripts); c.-8+8232T>C (NM_001407936.1, NM_001407849.1, NM_001407845.1 and 23 more transcripts); c.-108-6T>C (NM_001407958.1, NM_001407955.1, NM_001408493.1 and 52 more transcripts); c.-339-6T>C (NM_001407965.1); c.-177-6T>C (NM_001407930.1, NM_001407843.1, NM_001408456.1 and 13 more transcripts); c.-181-6T>C (NM_001408465.1, NM_001407695.1); and 12 more.
Identifiers: ClinVar variation 37703 (VCV000037703.42), dbSNP rs80358179, ClinGen allele CA003916.
Genomic context (GRCh38, chr17:43,115,785, plus strand): 5'-CTTGCAAAATATGTGGTCACACTTTGTGGAGACAGGTTCCTTGATCAACTCCAGACTAGC[A>G]GGGTAGGGGGGGAGAAAAAGAAAATAAATGAGGCTCAATAATTTATTTAAAAATAAAGCT-3'